The following is an entry in ClinVar:

ClinVar aggregate classification (germline): Benign/Likely benign. Review status: criteria provided, multiple submitters, no conflicts (2 of 4 stars). 2 submissions from 2 submitters: Benign (1); Likely benign (1). Last evaluated 2025-08-04.

Conditions:
Ichthyosis bullosa of Siemens (IBS). Also called: Superficial epidermolytic ichthyosis. Identifiers: Orphanet 455, MedGen C0432306, MONDO:0007813, OMIM 146800.

Allele frequency attached by ClinVar (database versions not stated): TOPMed 0.00002; gnomAD 0.00003; 1000 Genomes Project 30x 0.00016; 1000 Genomes Project 0.00020.
gnomAD v4.1: 227 of 1,611,218 alleles (0.014%); highest among the groups gnomAD compares: South Asian, 0.2%; 2 homozygotes.

Submissions (2):

Labcorp Genetics (formerly Invitae), Labcorp
Classification: Likely benign. Last evaluated: 2025-08-04. Review status: criteria provided, single submitter. Criteria: Invitae Variant Classification Sherloc (09022015). Collection method: clinical testing. Allele origin: germline.

Illumina Laboratory Services, Illumina
Classification: Benign for Ichthyosis bullosa of Siemens. Last evaluated: 2018-01-13. Review status: criteria provided, single submitter. Criteria: ICSL Variant Classification Criteria 13 December 2019. Collection method: clinical testing. Allele origin: germline.
Comment: This variant was observed in the ICSL laboratory as part of a predisposition screen in an ostensibly healthy population. It had not been previously curated by ICSL or reported in the Human Gene Mutation Database (HGMD: prior to June 1st, 2018), and was therefore a candidate for classification through an automated scoring system. Utilizing variant allele frequency, disease prevalence and penetrance estimates, and inheritance mode, an automated score was calculated to assess if this variant is too frequent to cause the disease. Based on the score and internal cut-off values, a variant classified as benign is not then subjected to further curation. The score for this variant resulted in a classification of benign for this disease.

NM_000423.3(KRT2):c.861+6C>G

Gene: KRT2 (keratin 2; minus strand). Cytogenetic location: 12q13.13.
Variant type: single nucleotide variant.
Coding change: c.861+6C>G on transcript NM_000423.3 (MANE Select); 6 bases into the intron after coding-DNA position 861, C replaced by G.
Molecular consequence: intron variant.
Genome position (GRCh38, 1-based): chr12:52,649,908, G>C on the plus strand (C>G on the coding strand, the complement: KRT2 is on the minus strand). VCF-style: chr12-52649908-G-C. GRCh37 (hg19) VCF-style: chr12-53043692-G-C.
Identifiers: ClinVar variation 309613 (VCV000309613.6), dbSNP rs556825530, ClinGen allele CA6585702.